The following is an entry in ClinVar:

ClinVar aggregate classification (germline): Uncertain significance (1 of 4 stars; one submission).

Submission:

Women's Health and Genetics/Laboratory Corporation of America, LabCorp
Classification: Uncertain significance. Last evaluated: 2026-05-06. Review status: criteria provided, single submitter. Criteria: LabCorp Variant Classification Summary - May 2015. Collection method: clinical testing. Allele origin: germline.
Comment: Variant summary: ARSA c.892G>C (p.Gly298Arg) results in a non-conservative amino acid change in the encoded protein sequence. Algorithms developed to predict the effect of missense changes on protein structure and function all suggest that this variant is likely to be disruptive. The variant was absent in 248584 control chromosomes. The available data on variant occurrences in the general population are insufficient to allow any conclusion about variant significance. To our knowledge, no occurrence of c.892G>C in individuals affected with ARSA-related conditions and no experimental evidence demonstrating its impact on protein function have been reported. No submitters have cited clinical-significance assessments for this variant to ClinVar. Based on the evidence outlined above, the variant was classified as uncertain significance.

NM_000487.6(ARSA):c.892G>C (p.Gly298Arg)

Gene: ARSA (arylsulfatase A; minus strand). Cytogenetic location: 22q13.33.
Variant type: single nucleotide variant.
Coding change: c.892G>C on transcript NM_000487.6 (MANE Select); coding-DNA position 892, G replaced by C.
Protein change: p.Gly298Arg; replaces glycine 298 with arginine.
Molecular consequence: missense variant.
Genome position (GRCh38, 1-based): chr22:50,626,241, C>G on the plus strand (G>C on the coding strand, the complement: ARSA is on the minus strand). VCF-style: chr22-50626241-C-G. GRCh37 (hg19) VCF-style: chr22-51064669-C-G.
Other names: c.892G>C, p.Gly298Arg (NM_001085425.3, NM_001085426.3, NM_001085427.3); c.634G>C, p.Gly212Arg (NM_001085428.3, NM_001362782.2); short protein forms G212R, G298R.
Identifiers: ClinVar variation 4853520 (VCV004853520.1).